The following is an entry in ClinVar:

ClinVar aggregate classification (germline): Uncertain significance (1 of 4 stars; one submission).

Conditions:
Severe combined immunodeficiency due to DNA-PKcs deficiency. Also called: IMMUNODEFICIENCY 26 WITH NEUROLOGIC ABNORMALITIES; Immunodeficiency 26 with or without neurologic abnormalities. Identifiers: Orphanet 317425, MedGen C4014833, MONDO:0014423, OMIM 615966.

Submission:

Labcorp Genetics (formerly Invitae), Labcorp
Classification: Uncertain significance for Severe combined immunodeficiency due to DNA-PKcs deficiency. Last evaluated: 2022-08-16. Review status: criteria provided, single submitter. Criteria: Invitae Variant Classification Sherloc (09022015). Collection method: clinical testing. Allele origin: germline.
Comment: In summary, the available evidence is currently insufficient to determine the role of this variant in disease. Therefore, it has been classified as a Variant of Uncertain Significance. Experimental studies and prediction algorithms are not available or were not evaluated, and the functional significance of this variant is currently unknown. This variant has not been reported in the literature in individuals affected with PRKDC-related conditions. This variant is not present in population databases (gnomAD no frequency). This sequence change replaces glycine, which is neutral and non-polar, with arginine, which is basic and polar, at codon 2661 of the PRKDC protein (p.Gly2661Arg).

NM_006904.7(PRKDC):c.7981G>C (p.Gly2661Arg)

Gene: PRKDC (protein kinase, DNA-activated, catalytic subunit; minus strand). Cytogenetic location: 8q11.21.
Variant type: single nucleotide variant.
Coding change: c.7981G>C on transcript NM_006904.7 (MANE Select); coding-DNA position 7981, G replaced by C.
Protein change: p.Gly2661Arg; replaces glycine 2661 with arginine.
Molecular consequence: missense variant.
Genome position (GRCh38, 1-based): chr8:47,834,367, C>G on the plus strand (G>C on the coding strand, the complement: PRKDC is on the minus strand). VCF-style: chr8-47834367-C-G. GRCh37 (hg19) VCF-style: chr8-48746928-C-G.
Other names: c.7981G>C, p.Gly2661Arg (NM_001081640.2); short protein forms G2661R.
Identifiers: ClinVar variation 1716530 (VCV001716530.5), dbSNP rs530594644, ClinGen allele CA371149920.